The following is an entry in ClinVar:

NM_000384.3(APOB):c.10944C>T (p.Val3648=)

Gene: APOB (apolipoprotein B; minus strand). Cytogenetic location: 2p24.1.
Variant type: single nucleotide variant.
Coding change: c.10944C>T on transcript NM_000384.3 (MANE Select); coding-DNA position 10944, C replaced by T.
Protein change: p.Val3648=; no amino-acid change (valine 3648 retained).
Molecular consequence: synonymous variant.
Genome position (GRCh38, 1-based): chr2:21,005,924, G>A on the plus strand (C>T on the coding strand, the complement: APOB is on the minus strand). VCF-style: chr2-21005924-G-A. GRCh37 (hg19) VCF-style: chr2-21228796-G-A.
Identifiers: ClinVar variation 630253 (VCV000630253.26), dbSNP rs370314131, ClinGen allele CA045218.
Genomic context (GRCh38, chr2:21,005,924, plus strand): 5'-GTGTCCTTCTAAGGATCCTGCAATGTCAAGGTGTGCCTTTTCTTGGTCATTGGAAAGCTC[G>A]ACCTGGCTCTGGAAAGACCCAGAATGAATCCGGACTTCATTTTTCCATCTGATCTTCTGG-3'
Protein context (NP_000375.3, residues 3638-3658): RIHSGSFQSQ[Val3648=]ELSNDQEKAH

ClinVar aggregate classification (germline): Likely benign. Review status: criteria provided, multiple submitters, no conflicts (2 of 4 stars). 3 submissions from 3 submitters: Likely benign (3). Last evaluated 2025-10-06.

Conditions:
Hypercholesterolemia, autosomal dominant, type B (FHCL2). Also called: Familial Hypercholesterolemia Type B; Hyperlipoproteinemia Type IIb; Familial hypercholesterolemia 2; APOB-Related Familial Hypercholesterolemia, Autosomal Dominant; APOLIPOPROTEIN B-100, FAMILIAL DEFECTIVE; APOLIPOPROTEIN B-100, FAMILIAL LIGAND-DEFECTIVE. Identifiers: MedGen C1704417, MONDO:0007751, OMIM 144010.
Familial hypobetalipoproteinemia 1. Also called: APOB-Related Familial Hypobetalipoproteinemia; Hypobetalipoproteinemia, normotriglyceridemic; Acanthocytosis with hypobetalipoproteinemia. Identifiers: MedGen C4551990, MONDO:0014252, OMIM 615558.
Cardiovascular phenotype. Identifiers: MedGen CN230736.

Allele frequency attached by ClinVar (database versions not stated): ExAC 0.00002; gnomAD exomes 0.00002; ESP Exome Variant Server 0.00008; gnomAD 0.00008 and 0.00009; TOPMed 0.00019.
gnomAD v4.1: 30 of 1,613,690 alleles (0.0019%); highest among the groups gnomAD compares: African/African-American, 0.027%; no homozygotes.

Submissions (3):

Labcorp Genetics (formerly Invitae), Labcorp
Classification: Likely benign for Familial hypobetalipoproteinemia 1; Hypercholesterolemia, autosomal dominant, type B. Last evaluated: 2025-10-06. Review status: criteria provided, single submitter. Criteria: Invitae Variant Classification Sherloc (09022015). Collection method: clinical testing. Allele origin: germline.

CeGaT Center for Human Genetics Tuebingen
Classification: Likely benign. Last evaluated: 2025-08-01. Review status: criteria provided, single submitter. Criteria: CeGaT Center For Human Genetics Tuebingen Variant Classification Criteria Version 2. Collection method: clinical testing. Allele origin: germline. Affected: yes. Observed: 1 variant allele.
Comment: APOB: PM2:Supporting, BP4, BP7

Ambry Genetics
Classification: Likely benign for Cardiovascular phenotype. Last evaluated: 2024-10-29. Review status: criteria provided, single submitter. Criteria: Ambry Variant Classification Scheme 2023. Collection method: clinical testing. Allele origin: germline.